The following is an entry in ClinVar:

ClinVar aggregate classification (germline): Benign (1 of 4 stars; one submission).

Allele frequency attached by ClinVar (database versions not stated): 1000 Genomes Project 30x 0.81480; TOPMed 0.82346; 1000 Genomes Project 0.82388; gnomAD 0.83370; gnomAD exomes 0.90507.
gnomAD v4.1: 575,186 of 647,940 alleles (89%); highest among the groups gnomAD compares: East Asian, 97%; 257,467 homozygotes.

Submission:

Unidad de Genómica Garrahan, Hospital de Pediatría Garrahan
Classification: Benign. Last evaluated: 2024-01-24. Review status: criteria provided, single submitter. Criteria: ACMG Guidelines, 2015. Collection method: clinical testing. Allele origin: germline. Affected: no. Observed: 40 variant alleles.
Comment: This variant is classified as Benign based on local population frequency. This variant was detected in 42% of patients studied by a panel of primary immunodeficiencies. Number of patients: 40. Only high quality variants are reported.

NM_000101.4(CYBA):c.369+1058T>C

Gene: CYBA (cytochrome b-245 alpha chain; minus strand). Cytogenetic location: 16q24.2.
Variant type: single nucleotide variant.
Coding change: c.369+1058T>C on transcript NM_000101.4 (MANE Select); 1058 bases into the intron after coding-DNA position 369, T replaced by C.
Molecular consequence: intron variant.
Genome position (GRCh38, 1-based): chr16:88,645,058, A>G on the plus strand (T>C on the coding strand, the complement: CYBA is on the minus strand). VCF-style: chr16-88645058-A-G. GRCh37 (hg19) VCF-style: chr16-88711466-A-G.
Identifiers: ClinVar variation 2688174 (VCV002688174.2), dbSNP rs4782391, ClinGen allele CA14257819.
Genomic context (GRCh38, chr16:88,645,058, plus strand): 5'-GAAAGCCTAGTGCATGGTGGGAGAGATGGGGCCACATGGCTGGTGGTGGGTTGTCTGCTG[A>G]GGAGCAGCTGAGCCCGGCAGGGTGAACGGTGCAGAGGCTGATGCCTGACCCAGCAATTCC-3'